The following is an entry in ClinVar:

ClinVar aggregate classification (germline): Uncertain significance (1 of 4 stars; one submission).

Conditions:
Nephronophthisis. Also called: Juvenile Nephronophthisis. Identifiers: Orphanet 655, MedGen C0687120, MONDO:0019005, HP:0000090.

Allele frequency attached by ClinVar (database versions not stated): gnomAD exomes below 0.00001; TOPMed below 0.00001.

Submission:

Labcorp Genetics (formerly Invitae), Labcorp
Classification: Uncertain significance for Nephronophthisis. Last evaluated: 2016-02-07. Review status: criteria provided, single submitter. Criteria: Invitae Variant Classification Sherloc (09022015). Collection method: clinical testing. Allele origin: germline.
Comment: In summary, this is a rare, in-frame insertion with uncertain impact on protein function. There is no indication that this variant causes disease, but the evidence is insufficient at this time to prove that conclusively. Therefore, it has been classified as a Variant of Uncertain Significance. While this variant is not present in population databases (ExAC), the frequency information is unreliable due to low sequence coverage of this region. This variant has not been reported in the literature in individuals with a GLIS2-related disease. This sequence change inserts 15 nucleotides in exon 6 of the GLIS2 mRNA (c.1194_1208dupGGGCCCTGGGCTGCC). This leads to the insertion of 5 amino acid residues in the GLIS2 protein (p.Gly401_Pro405dup) but otherwise preserves the integrity of the reading frame.

NM_032575.3(GLIS2):c.1194_1208dup (p.Gly401_Pro405dup)

Gene: GLIS2 (GLIS family zinc finger 2; plus strand). Cytogenetic location: 16p13.3.
Variant type: Duplication.
Coding change: c.1194_1208dup on transcript NM_032575.3 (MANE Select); coding-DNA positions 1194 to 1208, 15 bases duplicated (GGGCCCTGGGCTGCC).
Protein change: p.Gly401_Pro405dup.
Molecular consequence: inframe insertion.
Genome position (GRCh38, 1-based): chr16:4,337,143-4,337,157, GGGCCCTGGGCTGCC duplicated. VCF-style (leftmost placement, unchanged base first): chr16-4337142-T-TGGGCCCTGGGCTGCC. GRCh37 (hg19) VCF-style: chr16-4387143-T-TGGGCCCTGGGCTGCC.
Other names: c.1194_1208dupGGGCCCTGGGCTGCC (NM_032575.2); c.1194_1208dup, p.Gly401_Pro405dup (NM_001318918.2).
Identifiers: ClinVar variation 241703 (VCV000241703.6), dbSNP rs878855164, ClinGen allele CA10583396.